The following is an entry in ClinVar:

ClinVar aggregate classification (germline): Likely benign (1 of 4 stars; one submission).

Conditions:
PCNT-related disorder. Also called: PCNT-related condition.

Submission:

PreventionGenetics, part of Exact Sciences
Classification: Likely benign for PCNT-related condition. Last evaluated: 2026-08-10. Review status: criteria provided, single submitter. Criteria: ACMG Guidelines, 2015. Collection method: clinical testing. Allele origin: germline.
Comment: This variant is classified as likely benign based on ACMG/AMP sequence variant interpretation guidelines (Richards et al. 2015 PMID: 25741868, with internal and published modifications).

NM_006031.6(PCNT):c.1761+6T>G

Gene: PCNT (pericentrin; plus strand). Cytogenetic location: 21q22.3.
Variant type: single nucleotide variant.
Coding change: c.1761+6T>G on transcript NM_006031.6 (MANE Select); 6 bases into the intron after coding-DNA position 1761, T replaced by G.
Molecular consequence: intron variant.
Genome position (GRCh38, 1-based): chr21:46,354,074, T>G. VCF-style: chr21-46354074-T-G. GRCh37 (hg19) VCF-style: chr21-47773988-T-G.
Other names: c.1407+6T>G (NM_001315529.2).
Identifiers: ClinVar variation 4993536 (VCV004993536.1).
Genomic context (GRCh38, chr21:46,354,074, plus strand): 5'-ACCTGAGAAAGGAAGAAAAGATCACGTTGATGAACTCGAGCCTGAGCGACATAAGGTAAT[T>G]GGCCGCGCGCTGAGAAGTGGGGGAGTCCTGTGCTCTTGACCTTCCAGCCCTGCGTCTTCC-3'